The following is an entry in ClinVar:

ClinVar aggregate classification (germline): Uncertain significance. Review status: criteria provided, multiple submitters, no conflicts (2 of 4 stars). 2 submissions from 2 submitters: Uncertain significance (2). Last evaluated 2020-02-01.

Conditions:
Developmental and epileptic encephalopathy, 1 (DEE1). Also called: INFANTILE SPASM SYNDROME, X-LINKED 1; X-linked infantile spasms; West's syndrome; Tonic spasms with clustering, arrest of psychomotor development and hypsarrhythmia on EEG; X-Linked Infantile Spasm Syndrome; OHTAHARA SYNDROME, X-LINKED. Identifiers: MedGen C3463992, MONDO:0010632, OMIM 308350. Disease mechanism: loss of function.
Autosomal dominant nonsyndromic hearing loss 65. Also called: TBC1D24-Related Autosomal Dominant Nonsyndromic Hearing Loss (DFNA); Deafness, autosomal dominant 65. Identifiers: Orphanet 90635, MedGen C3892048, MONDO:0014470, OMIM 616044.

Allele frequency attached by ClinVar (database versions not stated): gnomAD exomes below 0.00001.

Submissions (2):

Labcorp Genetics (formerly Invitae), Labcorp
Classification: Uncertain significance for Developmental and epileptic encephalopathy, 1; Autosomal dominant nonsyndromic hearing loss 65. Last evaluated: 2020-02-01. Review status: criteria provided, single submitter. Criteria: Invitae Variant Classification Sherloc (09022015). Collection method: clinical testing. Allele origin: germline.
Comment: In summary, the available evidence is currently insufficient to determine the role of this variant in disease. Therefore, it has been classified as a Variant of Uncertain Significance. Algorithms developed to predict the effect of missense changes on protein structure and function are either unavailable or do not agree on the potential impact of this missense change (SIFT: "Deleterious"; PolyPhen-2: "Possibly Damaging"; Align-GVGD: "Class C0"). This variant has not been reported in the literature in individuals with TBC1D24-related conditions. This variant is not present in population databases (ExAC no frequency). This sequence change replaces serine with leucine at codon 480 of the TBC1D24 protein (p.Ser480Leu). The serine residue is highly conserved and there is a large physicochemical difference between serine and leucine.

Centre for Mendelian Genomics, University Medical Centre Ljubljana
Classification: Uncertain significance for Autosomal dominant nonsyndromic hearing loss 65. Last evaluated: 2016-01-01. Review status: criteria provided, single submitter. Criteria: ACMG Guidelines, 2015. Collection method: clinical testing. Allele origin: unknown. Affected: yes.
Comment: This variant was classified as: Uncertain significance. The following ACMG criteria were applied in classifying this variant: PM2,PP3.

NM_001199107.2(TBC1D24):c.1439C>T (p.Ser480Leu)

Gene: TBC1D24 (TBC1 domain family member 24; plus strand). Cytogenetic location: 16p13.3.
Variant type: single nucleotide variant.
Coding change: c.1439C>T on transcript NM_001199107.2 (MANE Select); coding-DNA position 1439, C replaced by T.
Protein change: p.Ser480Leu; replaces serine 480 with leucine.
Molecular consequence: missense variant.
Genome position (GRCh38, 1-based): chr16:2,500,404, C>T. VCF-style: chr16-2500404-C-T. GRCh37 (hg19) VCF-style: chr16-2550405-C-T.
Other names: c.1421C>T, p.Ser474Leu (NM_020705.3); short protein forms S474L, S480L.
Identifiers: ClinVar variation 931011 (VCV000931011.13), dbSNP rs2065782431, ClinGen allele CA394380995.
Genomic context (GRCh38, chr16:2,500,404, plus strand): 5'-CTGCCGAGCCCACCGCCCCACTCAGCCACTCCGCCTCCTCAGACCCCGCTGACCGCCTCT[C>T]GCCCTTCCTGGCCGCTCGCCACTTCAACCTGCCCTCCAAGACCGAGTCCATGTTCATGGC-3'
Protein context (NP_001186036.1, residues 470-490): SASSDPADRL[Ser480Leu]PFLAARHFNL